The following is an entry in ClinVar:

ClinVar aggregate classification (germline): Likely benign. Review status: reviewed by expert panel (3 of 4 stars). 2 submissions from 2 submitters: Likely benign (1). 1 of the submissions does not count toward it. Last evaluated 2022-02-12.

Conditions:
Overgrowth syndrome and/or cerebral malformations due to abnormalities in MTOR pathway genes. Identifiers: MedGen CN300503, MONDO:0100283.

Allele frequency attached by ClinVar (database versions not stated): TOPMed 0.00002; gnomAD exomes 0.00012 and 0.00039; gnomAD 0.00019 and 0.00021; ExAC 0.00095.

Submissions (2):

ClinGen Brain Malformations Variant Curation Expert Panel
Classification: Likely benign for Overgrowth syndrome and/or cerebral malformations due to abnormalities in MTOR pathway genes. Last evaluated: 2022-02-12. Review status: reviewed by expert panel. Criteria: ClinGen BrainMalform ACMG Specifications v1. Collection method: curation. Allele origin: germline. Inheritance: Autosomal dominant inheritance.
Comment: The c.320C>T (NM_005027.4) variant in PIK3R2 is a missense variant predicted to cause substitution of (p.Pro107Leu). The highest population minor allele frequency in gnomAD v2.1.1 is 0.001838 in the European (Finnish) population, which is higher than the ClinGen BMEP threshold ([>0.00037]) for BS1, and therefore meets this criterion (BS1). In summary, this variant meets the criteria to be classified as Likely benign for mosaic autosomal dominant overgrowth with or without cerebral malformations due to abnormalities in MTOR-pathway genes based on the ACMG/AMP criteria applied, as specified by the ClinGen Brain Malformations Expert Panel: BS1; -4 points (VCEP specifications version 1; Approved: 1/31/2021)

Blueprint Genetics
Classification: Likely benign. Last evaluated: 2024-10-18. Review status: criteria provided, single submitter. Criteria: ACMG Guidelines, 2015. Collection method: clinical testing. Allele origin: germline. Not counted in ClinVar's aggregate classification.

NM_005027.4(PIK3R2):c.320C>T (p.Pro107Leu)

Gene: PIK3R2 (phosphoinositide-3-kinase regulatory subunit 2; plus strand). Cytogenetic location: 19p13.11.
Variant type: single nucleotide variant.
Coding change: c.320C>T on transcript NM_005027.4 (MANE Select); coding-DNA position 320, C replaced by T.
Protein change: p.Pro107Leu; replaces proline 107 with leucine.
Molecular consequence: missense variant. On other transcripts: non-coding transcript variant (2).
Genome position (GRCh38, 1-based): chr19:18,156,199, C>T. VCF-style: chr19-18156199-C-T. GRCh37 (hg19) VCF-style: chr19-18267009-C-T.
Other names: NM_005027.4:c.320C>T; short protein forms P107L.
Identifiers: ClinVar variation 1296987 (VCV001296987.5), dbSNP rs199683047, ClinGen allele CA9306690.